The following is an entry in ClinVar:

NM_022124.6(CDH23):c.7100G>A (p.Trp2367Ter)

Gene: CDH23 (cadherin related 23; plus strand). Cytogenetic location: 10q22.1.
Variant type: single nucleotide variant.
Coding change: c.7100G>A on transcript NM_022124.6 (MANE Select); coding-DNA position 7100, G replaced by A.
Protein change: p.Trp2367Ter; replaces tryptophan 2367 with a stop codon.
Molecular consequence: nonsense.
Genome position (GRCh38, 1-based): chr10:71,799,156, G>A. VCF-style: chr10-71799156-G-A. GRCh37 (hg19) VCF-style: chr10-73558913-G-A.
Other names: c.380G>A, p.Trp127Ter (NM_001171933.1, NM_001171934.1); short protein forms W2367*, W127*.
Identifiers: ClinVar variation 1452351 (VCV001452351.6), dbSNP rs2132967710, ClinGen allele CA377158723.

ClinVar aggregate classification (germline): Pathogenic (1 of 4 stars; one submission).

Submission:

Labcorp Genetics (formerly Invitae), Labcorp
Classification: Pathogenic. Last evaluated: 2023-12-11. Review status: criteria provided, single submitter. Criteria: Invitae Variant Classification Sherloc (09022015). Collection method: clinical testing. Allele origin: germline.
Comment: This sequence change creates a premature translational stop signal (p.Trp2367*) in the CDH23 gene. It is expected to result in an absent or disrupted protein product. Loss-of-function variants in CDH23 are known to be pathogenic (PMID: 11138009, 21940737). This variant is not present in population databases (gnomAD no frequency). This variant has not been reported in the literature in individuals affected with CDH23-related conditions. ClinVar contains an entry for this variant (Variation ID: 1452351). For these reasons, this variant has been classified as Pathogenic.

Literature cited by the submitters: PubMed 11138009; PubMed 21940737.